The following is an entry in ClinVar:

ClinVar aggregate classification (germline): Likely benign (0 of 4 stars; one submission).

Conditions:
DISP3-related disorder. Also called: DISP3-related condition.

Allele frequency attached by ClinVar (database versions not stated): ExAC 0.00005; gnomAD 0.00005; TOPMed 0.00009.
gnomAD v4.1: 124 of 1,613,920 alleles (0.0077%); highest among the groups gnomAD compares: East Asian, 0.013%; no homozygotes.

Submission:

PreventionGenetics, part of Exact Sciences
Classification: Likely benign for DISP3-related condition. Last evaluated: 2019-09-05. Review status: no assertion criteria provided. Collection method: clinical testing. Allele origin: germline.
Comment: This variant is classified as likely benign based on ACMG/AMP sequence variant interpretation guidelines (Richards et al. 2015 PMID: 25741868, with internal and published modifications).

NM_020780.2(DISP3):c.3000G>A (p.Ala1000=)

Gene: DISP3 (dispatched RND transporter family member 3; plus strand). Cytogenetic location: 1p36.22.
Variant type: single nucleotide variant.
Coding change: c.3000G>A on transcript NM_020780.2 (MANE Select); coding-DNA position 3000, G replaced by A.
Protein change: p.Ala1000=; no amino-acid change (alanine 1000 retained).
Molecular consequence: synonymous variant.
Genome position (GRCh38, 1-based): chr1:11,529,857, G>A. VCF-style: chr1-11529857-G-A. GRCh37 (hg19) VCF-style: chr1-11589914-G-A.
Identifiers: ClinVar variation 3052357 (VCV003052357.2), dbSNP rs201563606, ClinGen allele CA592195.